The following is an entry in ClinVar:

NM_000548.5(TSC2):c.3466C>T (p.Pro1156Ser)

Gene: TSC2 (TSC complex subunit 2; plus strand). Cytogenetic location: 16p13.3.
Variant type: single nucleotide variant.
Coding change: c.3466C>T on transcript NM_000548.5 (MANE Select); coding-DNA position 3466, C replaced by T.
Protein change: p.Pro1156Ser; replaces proline 1156 with serine.
Molecular consequence: missense variant.
Genome position (GRCh38, 1-based): chr16:2,080,233, C>T. VCF-style: chr16-2080233-C-T. GRCh37 (hg19) VCF-style: chr16-2130234-C-T.
Other names: c.2734C>T, p.Pro912Ser (NM_001406687.1, NM_001406688.1, NM_001318831.2); c.2866C>T, p.Pro956Ser (NM_001406682.1, NM_001406683.1, NM_001406680.1); c.2863C>T, p.Pro955Ser (NM_001406684.1); c.2737C>T, p.Pro913Ser (NM_001406685.1, NM_001406686.1); c.2122C>T, p.Pro708Ser (NM_001406689.1); c.1993C>T, p.Pro665Ser (NM_001406690.1, NM_001406692.1, NM_001406693.1 and 1 more transcripts); c.1990C>T, p.Pro664Ser (NM_001406691.1, NM_001406695.1, NM_001406696.1 and 1 more transcripts); c.3334C>T, p.Pro1112Ser (NM_001077183.3, NM_001370404.1, NM_001406665.1); and 18 more; short protein forms P1106S, P1112S, P1113S, P1123S, P1156S, P708S, P912S, P956S.
Identifiers: ClinVar variation 2102756 (VCV002102756.5), dbSNP rs2151457816, ClinGen allele CA394288901.

ClinVar aggregate classification (germline): Uncertain significance. Review status: criteria provided, multiple submitters, no conflicts (2 of 4 stars). 2 submissions from 2 submitters: Uncertain significance (2). Last evaluated 2025-06-12.

Conditions:
Tuberous sclerosis 2 (TSC2). Identifiers: Orphanet 805, MedGen C1860707, MONDO:0013199, OMIM 613254.
Hereditary cancer-predisposing syndrome. Also called: Hereditary Cancer Syndrome; Tumor predisposition; Neoplastic Syndromes, Hereditary; Hereditary neoplastic syndrome. Identifiers: Orphanet 140162, MedGen C0027672, MeSH D009386, MONDO:0015356.

Allele frequency attached by ClinVar (database versions not stated): gnomAD exomes below 0.00001.

Submissions (2):

Ambry Genetics
Classification: Uncertain significance for Hereditary cancer-predisposing syndrome. Last evaluated: 2025-06-12. Review status: criteria provided, single submitter. Criteria: Ambry Variant Classification Scheme 2023. Collection method: clinical testing. Allele origin: germline.
Comment: The p.P1156S variant (also known as c.3466C>T), located in coding exon 29 of the TSC2 gene, results from a C to T substitution at nucleotide position 3466. The proline at codon 1156 is replaced by serine, an amino acid with similar properties. This amino acid position is conserved. In addition, the in silico prediction for this alteration is inconclusive. Based on the available evidence, the clinical significance of this variant remains unclear.

Labcorp Genetics (formerly Invitae), Labcorp
Classification: Uncertain significance for Tuberous sclerosis 2. Last evaluated: 2025-04-30. Review status: criteria provided, single submitter. Criteria: Invitae Variant Classification Sherloc (09022015). Collection method: clinical testing. Allele origin: germline.
Comment: This sequence change replaces proline, which is neutral and non-polar, with serine, which is neutral and polar, at codon 1156 of the TSC2 protein (p.Pro1156Ser). This variant is not present in population databases (gnomAD no frequency). This variant has not been reported in the literature in individuals affected with TSC2-related conditions. ClinVar contains an entry for this variant (Variation ID: 2102756). Invitae Evidence Modeling of protein sequence and biophysical properties (such as structural, functional, and spatial information, amino acid conservation, physicochemical variation, residue mobility, and thermodynamic stability) indicates that this missense variant is not expected to disrupt TSC2 protein function with a negative predictive value of 95%. In summary, the available evidence is currently insufficient to determine the role of this variant in disease. Therefore, it has been classified as a Variant of Uncertain Significance.